The following is an entry in ClinVar:

NM_002485.5(NBN):c.142T>A (p.Leu48Ile)

Gene: NBN (nibrin; minus strand). Cytogenetic location: 8q21.3.
Variant type: single nucleotide variant.
Coding change: c.142T>A on transcript NM_002485.5 (MANE Select); coding-DNA position 142, T replaced by A.
Protein change: p.Leu48Ile; replaces leucine 48 with isoleucine.
Molecular consequence: missense variant. On other transcripts: 5 prime UTR variant (3).
Genome position (GRCh38, 1-based): chr8:89,982,751, A>T on the plus strand (T>A on the coding strand, the complement: NBN is on the minus strand). VCF-style: chr8-89982751-A-T. GRCh37 (hg19) VCF-style: chr8-90994979-A-T.
Other names: c.-155T>A (NM_001024688.3, NM_001440380.1); c.-105T>A (NM_001440379.1); short protein forms L48I.
Identifiers: ClinVar variation 5025377 (VCV005025377.1).

ClinVar aggregate classification (germline): Uncertain significance (1 of 4 stars; one submission).

Conditions:
Hereditary cancer-predisposing syndrome. Also called: Neoplastic Syndromes, Hereditary; Tumor predisposition; Hereditary neoplastic syndrome; Hereditary Cancer Syndrome. Identifiers: Orphanet 140162, MedGen C0027672, MeSH D009386, MONDO:0015356.

Submission:

Ambry Genetics
Classification: Uncertain significance for Hereditary cancer-predisposing syndrome. Last evaluated: 2026-07-06. Review status: criteria provided, single submitter. Criteria: Ambry Variant Classification Scheme 2023. Collection method: clinical testing. Allele origin: germline.
Comment: The p.L48I variant (also known as c.142T>A), located in coding exon 2 of the NBN gene, results from a T to A substitution at nucleotide position 142. The leucine at codon 48 is replaced by isoleucine, an amino acid with highly similar properties. This amino acid position is conserved. In addition, the in silico prediction for this alteration is inconclusive. Based on the available evidence, the clinical significance of this variant remains unclear.